The following is an entry in ClinVar:

NM_003835.4(RGS9):c.860+1G>A

Gene: RGS9 (regulator of G protein signaling 9; plus strand). Cytogenetic location: 17q24.1.
Variant type: single nucleotide variant.
Coding change: c.860+1G>A on transcript NM_003835.4 (MANE Select); the canonical splice donor site of the intron after coding-DNA position 860, G replaced by A.
Molecular consequence: splice donor variant.
Genome position (GRCh38, 1-based): chr17:65,193,657, G>A. VCF-style: chr17-65193657-G-A. GRCh37 (hg19) VCF-style: chr17-63189775-G-A.
Other names: c.851+1G>A (NM_001081955.3, NM_001165933.2).
Identifiers: ClinVar variation 4726108 (VCV004726108.1).

ClinVar aggregate classification (germline): Likely pathogenic (1 of 4 stars; one submission).

Submission:

Labcorp Genetics (formerly Invitae), Labcorp
Classification: Likely pathogenic. Last evaluated: 2025-08-26. Review status: criteria provided, single submitter. Criteria: Invitae Variant Classification Sherloc (09022015). Collection method: clinical testing. Allele origin: germline.
Comment: This sequence change affects a donor splice site in intron 12 of the RGS9 gene. It is expected to disrupt RNA splicing. Variants that disrupt the donor or acceptor splice site typically lead to a loss of protein function (PMID: 16199547), and loss-of-function variants in RGS9 are known to be pathogenic (PMID: 11262419, 14702087). This variant is not present in population databases (gnomAD no frequency). This variant has not been reported in the literature in individuals affected with RGS9-related conditions. Algorithms developed to predict the effect of sequence changes on RNA splicing suggest that this variant may disrupt the consensus splice site. In summary, the currently available evidence indicates that the variant is pathogenic, but additional data are needed to prove that conclusively. Therefore, this variant has been classified as Likely Pathogenic.

Literature cited by the submitters: PubMed 16199547; PubMed 11262419; PubMed 14702087.